The following is an entry in ClinVar:

NM_001385012.1(NBEA):c.2404A>G (p.Thr802Ala)

Gene: NBEA (neurobeachin; plus strand). Cytogenetic location: 13q13.3.
Variant type: single nucleotide variant.
Coding change: c.2404A>G on transcript NM_001385012.1 (MANE Select); coding-DNA position 2404, A replaced by G.
Protein change: p.Thr802Ala; replaces threonine 802 with alanine.
Molecular consequence: missense variant.
Genome position (GRCh38, 1-based): chr13:35,142,336, A>G. VCF-style: chr13-35142336-A-G. GRCh37 (hg19) VCF-style: chr13-35716473-A-G.
Other names: c.2404A>G, p.Thr802Ala (NM_001379245.1, NM_015678.5); short protein forms T802A.
Identifiers: ClinVar variation 1315821 (VCV001315821.2), dbSNP rs2152695532, ClinGen allele CA387834275.

ClinVar aggregate classification (germline): Uncertain significance (1 of 4 stars; one submission).

Submission:

GeneDx
Classification: Uncertain significance. Last evaluated: 2020-04-10. Review status: criteria provided, single submitter. Criteria: GeneDx Variant Classification Process June 2021. Collection method: clinical testing. Allele origin: germline. Affected: yes.
Comment: Reported in the heterozygous state in a patient with autism spectrum disorder and dysmorphic features, however information about parental testing was not provided (Masson et al., 2019); In silico analysis supports that this missense variant has a deleterious effect on protein structure/function; Not observed in large population cohorts (Lek et al., 2016); This variant is associated with the following publications: (PMID: 31151468)